The following is an entry in ClinVar:

NM_139318.5(KCNH5):c.172G>A (p.Val58Ile)

Gene: KCNH5 (potassium voltage-gated channel subfamily H member 5; minus strand). Cytogenetic location: 14q23.2.
Variant type: single nucleotide variant.
Coding change: c.172G>A on transcript NM_139318.5 (MANE Select); coding-DNA position 172, G replaced by A.
Protein change: p.Val58Ile; replaces valine 58 with isoleucine.
Molecular consequence: missense variant.
Genome position (GRCh38, 1-based): chr14:63,016,856, C>T on the plus strand (G>A on the coding strand, the complement: KCNH5 is on the minus strand). VCF-style: chr14-63016856-C-T. GRCh37 (hg19) VCF-style: chr14-63483574-C-T.
Other names: c.172G>A, p.Val58Ile (NM_172375.3); short protein forms V58I.
Identifiers: ClinVar variation 1058253 (VCV001058253.10), dbSNP rs1057417977, ClinGen allele CA262410566.

ClinVar aggregate classification (germline): Uncertain significance (1 of 4 stars; one submission).

Conditions:
Early-infantile DEE. Also called: Ohtahara syndrome; Early infantile epileptic encephalopathy with suppression bursts; Early infantile epileptic encephalopathy. Identifiers: Orphanet 1934, MedGen C0393706, MONDO:0800491.

Allele frequency attached by ClinVar (database versions not stated): gnomAD 0.00001; TOPMed 0.00001.
gnomAD v4.1: 19 of 1,611,182 alleles (0.0012%); highest among the groups gnomAD compares: Non-Finnish European, 0.0014%; no homozygotes.

Submission:

Labcorp Genetics (formerly Invitae), Labcorp
Classification: Uncertain significance for Early-infantile DEE. Last evaluated: 2023-09-26. Review status: criteria provided, single submitter. Criteria: Invitae Variant Classification Sherloc (09022015). Collection method: clinical testing. Allele origin: germline.
Comment: This variant is not present in population databases (gnomAD no frequency). This sequence change replaces valine, which is neutral and non-polar, with isoleucine, which is neutral and non-polar, at codon 58 of the KCNH5 protein (p.Val58Ile). In summary, the available evidence is currently insufficient to determine the role of this variant in disease. Therefore, it has been classified as a Variant of Uncertain Significance. Advanced modeling of protein sequence and biophysical properties (such as structural, functional, and spatial information, amino acid conservation, physicochemical variation, residue mobility, and thermodynamic stability) performed at Invitae indicates that this missense variant is not expected to disrupt KCNH5 protein function. ClinVar contains an entry for this variant (Variation ID: 1058253). This missense change has been observed in individual(s) with clinical features of KCNH5-related conditions (Invitae).